The following is an entry in ClinVar:

ClinVar aggregate classification (germline): Uncertain significance. Review status: criteria provided, multiple submitters, no conflicts (2 of 4 stars). 2 submissions from 2 submitters: Uncertain significance (2). Last evaluated 2024-12-04.

Conditions:
Fanconi anemia complementation group P. Also called: SLX4-Related Fanconi Anemia. Identifiers: Orphanet 84, MedGen C3469542, MONDO:0013499, OMIM 613951.
Fanconi anemia (FA). Also called: Fanconi's anemia. Identifiers: Orphanet 84, MedGen C0015625, MeSH D005199, MONDO:0019391.

Allele frequency attached by ClinVar (database versions not stated): gnomAD 0.00001 and 0.00002; gnomAD exomes 0.00001 and 0.00002; ExAC 0.00002; TOPMed 0.00003; ESP Exome Variant Server 0.00008.
gnomAD v4.1: 23 of 1,613,846 alleles (0.0014%); highest among the groups gnomAD compares: African/African-American, 0.004%; no homozygotes.

Submissions (2):

Labcorp Genetics (formerly Invitae), Labcorp
Classification: Uncertain significance for Fanconi anemia. Last evaluated: 2024-12-04. Review status: criteria provided, single submitter. Criteria: Invitae Variant Classification Sherloc (09022015). Collection method: clinical testing. Allele origin: germline.
Comment: This sequence change replaces proline, which is neutral and non-polar, with leucine, which is neutral and non-polar, at codon 664 of the SLX4 protein (p.Pro664Leu). This variant is present in population databases (rs369805557, gnomAD 0.007%). This variant has not been reported in the literature in individuals affected with SLX4-related conditions. ClinVar contains an entry for this variant (Variation ID: 1327081). An algorithm developed to predict the effect of missense changes on protein structure and function outputs the following: PolyPhen-2: "Benign". The leucine amino acid residue is found in multiple mammalian species, which suggests that this missense change does not adversely affect protein function. In summary, the available evidence is currently insufficient to determine the role of this variant in disease. Therefore, it has been classified as a Variant of Uncertain Significance.

Baylor Genetics
Classification: Uncertain significance for Fanconi anemia complementation group P. Last evaluated: 2021-11-24. Review status: criteria provided, single submitter. Criteria: ACMG Guidelines, 2015. Collection method: clinical testing. Allele origin: unknown. Affected: yes. Study: CSER-TexasKidsCanSeq.
Comment: This variant was determined to be of uncertain significance according to ACMG Guidelines, 2015 [PMID:25741868].

NM_032444.4(SLX4):c.1991C>T (p.Pro664Leu)

Gene: SLX4 (SLX4 structure-specific endonuclease subunit; minus strand). Cytogenetic location: 16p13.3.
Variant type: single nucleotide variant.
Coding change: c.1991C>T on transcript NM_032444.4 (MANE Select); coding-DNA position 1991, C replaced by T.
Protein change: p.Pro664Leu; replaces proline 664 with leucine.
Molecular consequence: missense variant.
Genome position (GRCh38, 1-based): chr16:3,595,627, G>A on the plus strand (C>T on the coding strand, the complement: SLX4 is on the minus strand). VCF-style: chr16-3595627-G-A. GRCh37 (hg19) VCF-style: chr16-3645628-G-A.
Other names: short protein forms P664L.
Identifiers: ClinVar variation 1327081 (VCV001327081.8), dbSNP rs369805557, ClinGen allele CA7866343.
Genomic context (GRCh38, chr16:3,595,627, plus strand): 5'-GCCGGGACCAGAGAGCGCGGGCCAGAGCCAGTTCTTACCAAGGTGCGGCCGCCCCTGTCC[G>A]GGTGCTTGTCCTGCGATGGCACCACAAACCCAGTCAGAGGAAGGCCGCCGGGCACCACGT-3'
Protein context (NP_115820.2, residues 654-674): GFVVPSQDKH[Pro664Leu]DRGGRTLLSL